The following is an entry in ClinVar:

ClinVar aggregate classification (germline): Uncertain significance. Review status: criteria provided, multiple submitters, no conflicts (2 of 4 stars). 2 submissions from 2 submitters: Uncertain significance (2). Last evaluated 2022-07-21.

Conditions:
Inborn genetic diseases. Identifiers: MedGen C0950123, MeSH D030342.

Allele frequency attached by ClinVar (database versions not stated): gnomAD exomes below 0.00001; ExAC 0.00001.
gnomAD v4.1: 5 of 1,563,624 alleles (0.00032%); highest among the groups gnomAD compares: Non-Finnish European, 0.00043%; no homozygotes.

Submissions (2):

Labcorp Genetics (formerly Invitae), Labcorp
Classification: Uncertain significance. Last evaluated: 2022-07-21. Review status: criteria provided, single submitter. Criteria: Invitae Variant Classification Sherloc (09022015). Collection method: clinical testing. Allele origin: germline.
Comment: This sequence change replaces leucine, which is neutral and non-polar, with phenylalanine, which is neutral and non-polar, at codon 244 of the IFT74 protein (p.Leu244Phe). In summary, the available evidence is currently insufficient to determine the role of this variant in disease. Therefore, it has been classified as a Variant of Uncertain Significance. Algorithms developed to predict the effect of missense changes on protein structure and function are either unavailable or do not agree on the potential impact of this missense change (SIFT: "Deleterious"; PolyPhen-2: "Probably Damaging"; Align-GVGD: "Class C0"). This variant has not been reported in the literature in individuals affected with IFT74-related conditions. The frequency data for this variant in the population databases is considered unreliable, as metrics indicate poor data quality at this position in the gnomAD database.

Ambry Genetics
Classification: Uncertain significance for Inborn genetic diseases. Last evaluated: 2022-05-27. Review status: criteria provided, single submitter. Criteria: Ambry Variant Classification Scheme 2023. Collection method: clinical testing. Allele origin: germline.

NM_025103.4(IFT74):c.732A>T (p.Leu244Phe)

Gene: IFT74 (intraflagellar transport 74; plus strand). Cytogenetic location: 9p21.2.
Variant type: single nucleotide variant.
Coding change: c.732A>T on transcript NM_025103.4 (MANE Select); coding-DNA position 732, A replaced by T.
Protein change: p.Leu244Phe; replaces leucine 244 with phenylalanine.
Molecular consequence: missense variant.
Genome position (GRCh38, 1-based): chr9:27,011,911, A>T. VCF-style: chr9-27011911-A-T. GRCh37 (hg19) VCF-style: chr9-27011909-A-T.
Other names: c.732A>T, p.Leu244Phe (NM_001099222.3, NM_001099223.3, NM_001099224.3 and 1 more transcripts); short protein forms L244F.
Identifiers: ClinVar variation 1945519 (VCV001945519.6), dbSNP rs773219516, ClinGen allele CA5015375.